The following is an entry in ClinVar:

ClinVar aggregate classification (germline): Pathogenic/Likely pathogenic. Review status: criteria provided, multiple submitters, no conflicts (2 of 4 stars). 2 submissions from 2 submitters: Pathogenic (1); Likely pathogenic (1). Last evaluated 2025-07-09.

Conditions:
Nance-Horan syndrome (NHS). Identifiers: Orphanet 627, MedGen C0796085, MONDO:0010545, OMIM 302350.

Submissions (2):

Labcorp Genetics (formerly Invitae), Labcorp
Classification: Pathogenic for Nance-Horan syndrome. Last evaluated: 2025-07-09. Review status: criteria provided, single submitter. Criteria: Invitae Variant Classification Sherloc (09022015). Collection method: clinical testing. Allele origin: germline.
Comment: This sequence change creates a premature translational stop signal (p.Ala1285Hisfs*17) in the NHS gene. It is expected to result in an absent or disrupted protein product. Loss-of-function variants in NHS are known to be pathogenic (PMID: 14564667, 19414485). This variant is not present in population databases (gnomAD no frequency). This variant has not been reported in the literature in individuals affected with NHS-related conditions. For these reasons, this variant has been classified as Pathogenic.

3billion
Classification: Likely pathogenic for Nance-Horan syndrome. Last evaluated: 2025-04-10. Review status: criteria provided, single submitter. Criteria: ACMG Guidelines, 2015. Collection method: clinical testing. Allele origin: germline. Affected: yes.

Literature cited by the submitters: PubMed 14564667 (cited by Labcorp Genetics (formerly Invitae), Labcorp); PubMed 19414485 (cited by Labcorp Genetics (formerly Invitae), Labcorp).

NM_001291867.2(NHS):c.3916del (p.Ala1306fs)

Gene: NHS (NHS actin remodeling regulator; plus strand). Cytogenetic location: Xp22.13.
Variant type: Deletion.
Coding change: c.3916del on transcript NM_001291867.2 (MANE Select); coding-DNA position 3916, one base deleted (G; older notation c.3916delG).
Protein change: p.Ala1306fs; shifts the reading frame from alanine 1306.
Molecular consequence: frameshift variant.
Genome position (GRCh38, 1-based): chrX:17,728,022, G deleted; the last of 2 consecutive G bases (chrX:17,728,021-17,728,022); deleting either gives the same sequence. VCF-style (leftmost placement, unchanged base first): chrX-17728020-AG-A. GRCh37 (hg19) VCF-style: chrX-17746140-AG-A.
Other names: c.3385del, p.Ala1129fs (NM_001136024.4); c.3322del, p.Ala1108fs (NM_001291868.2); c.3577del, p.Ala1193fs (NM_001440780.1); c.3853del, p.Ala1285fs (NM_198270.4); short protein forms A1108fs, A1129fs, A1193fs, A1285fs, A1306fs.
Identifiers: ClinVar variation 4292950 (VCV004292950.2).